The following is an entry in ClinVar:

NM_005591.4(MRE11):c.670G>A (p.Gly224Arg)

Gene: MRE11 (MRE11 double strand break repair nuclease; minus strand). Cytogenetic location: 11q21.
Variant type: single nucleotide variant.
Coding change: c.670G>A on transcript NM_005591.4 (MANE Select); coding-DNA position 670, G replaced by A.
Protein change: p.Gly224Arg; replaces glycine 224 with arginine.
Molecular consequence: missense variant.
Genome position (GRCh38, 1-based): chr11:94,471,749, C>T on the plus strand (G>A on the coding strand, the complement: MRE11 is on the minus strand). VCF-style: chr11-94471749-C-T. GRCh37 (hg19) VCF-style: chr11-94204915-C-T.
Other names: c.670G>A, p.Gly224Arg (NM_001330347.2, NM_005590.4); short protein forms G224R.
Identifiers: ClinVar variation 1800128 (VCV001800128.2), dbSNP rs1946721484, ClinGen allele CA382375942.
Genomic context (GRCh38, chr11:94,471,749, plus strand): 5'-CCCAGATAACAAGATCAATGAAGTCATCCAAAAATTGTTCTGGAATGAAGTTAGTACTTC[C>T]ATGTTTACTCCTGTATCAAGATTTTGAAAAATATAAATTCGGTGATTAGAAAAATTTCAT-3'
Protein context (NP_005582.1, residues 214-234): FVIHQNRSKH[Gly224Arg]STNFIPEQFL

ClinVar aggregate classification (germline): Uncertain significance (1 of 4 stars; one submission).

Conditions:
Hereditary cancer-predisposing syndrome. Also called: Neoplastic Syndromes, Hereditary; Tumor predisposition; Hereditary Cancer Syndrome; Hereditary neoplastic syndrome. Identifiers: Orphanet 140162, MedGen C0027672, MeSH D009386, MONDO:0015356.

Submission:

Ambry Genetics
Classification: Uncertain significance for Hereditary cancer-predisposing syndrome. Last evaluated: 2022-06-15. Review status: criteria provided, single submitter. Criteria: Ambry Variant Classification Scheme 2023. Collection method: clinical testing. Allele origin: germline.
Comment: The p.G224R variant (also known as c.670G>A), located in coding exon 7 of the MRE11A gene, results from a G to A substitution at nucleotide position 670. The glycine at codon 224 is replaced by arginine, an amino acid with dissimilar properties. This amino acid position is conserved. In addition, this alteration is predicted to be deleterious by in silico analysis. Since supporting evidence is limited at this time, the clinical significance of this alteration remains unclear.